The following is an entry in ClinVar:

ClinVar aggregate classification (germline): Uncertain significance (1 of 4 stars; one submission).

Submission:

CeGaT Center for Human Genetics Tuebingen
Classification: Uncertain significance. Last evaluated: 2026-06-01. Review status: criteria provided, single submitter. Criteria: CeGaT Center For Human Genetics Tuebingen Variant Classification Criteria Version 2. Collection method: clinical testing. Allele origin: germline. Affected: yes. Observed: 1 variant allele.
Comment: LRP1: PM2, PP3

NM_002332.3(LRP1):c.2951G>A (p.Cys984Tyr)

Gene: LRP1 (LDL receptor related protein 1; plus strand). Cytogenetic location: 12q13.3.
Variant type: single nucleotide variant.
Coding change: c.2951G>A on transcript NM_002332.3 (MANE Select); coding-DNA position 2951, G replaced by A.
Protein change: p.Cys984Tyr; replaces cysteine 984 with tyrosine.
Molecular consequence: missense variant.
Genome position (GRCh38, 1-based): chr12:57,167,480, G>A. VCF-style: chr12-57167480-G-A. GRCh37 (hg19) VCF-style: chr12-57561263-G-A.
Other names: short protein forms C984Y.
Identifiers: ClinVar variation 4875378 (VCV004875378.2).